The following is an entry in ClinVar:

ClinVar aggregate classification (germline): Uncertain significance (1 of 4 stars; one submission).

Allele frequency attached by ClinVar (database versions not stated): ExAC 0.00003; gnomAD exomes 0.00003; TOPMed 0.00005; ESP Exome Variant Server 0.00008.
gnomAD v4.1: 6 of 1,613,218 alleles (0.00037%); highest among the groups gnomAD compares: African/African-American, 0.0067%; no homozygotes.

Submission:

Labcorp Genetics (formerly Invitae), Labcorp
Classification: Uncertain significance. Last evaluated: 2023-08-24. Review status: criteria provided, single submitter. Criteria: Invitae Variant Classification Sherloc (09022015). Collection method: clinical testing. Allele origin: germline.
Comment: This sequence change replaces alanine, which is neutral and non-polar, with aspartic acid, which is acidic and polar, at codon 1192 of the CEP250 protein (p.Ala1192Asp). This variant is present in population databases (rs369355571, gnomAD 0.04%). This variant has not been reported in the literature in individuals affected with CEP250-related conditions. ClinVar contains an entry for this variant (Variation ID: 999426). An algorithm developed to predict the effect of missense changes on protein structure and function (PolyPhen-2) suggests that this variant is likely to be disruptive. In summary, the available evidence is currently insufficient to determine the role of this variant in disease. Therefore, it has been classified as a Variant of Uncertain Significance.

NM_007186.6(CEP250):c.3575C>A (p.Ala1192Asp)

Gene: CEP250 (centrosomal protein 250; plus strand). Cytogenetic location: 20q11.22.
Variant type: single nucleotide variant.
Coding change: c.3575C>A on transcript NM_007186.6 (MANE Select); coding-DNA position 3575, C replaced by A.
Protein change: p.Ala1192Asp; replaces alanine 1192 with aspartic acid.
Molecular consequence: missense variant.
Genome position (GRCh38, 1-based): chr20:35,497,987, C>A. VCF-style: chr20-35497987-C-A. GRCh37 (hg19) VCF-style: chr20-34085816-C-A.
Other names: c.1679C>A, p.Ala560Asp (NM_001318219.1); short protein forms A1192D, A560D.
Identifiers: ClinVar variation 999426 (VCV000999426.5), dbSNP rs369355571, ClinGen allele CA9833495.